The following is an entry in ClinVar:

NM_004086.3(COCH):c.113G>A (p.Gly38Asp)

Genes: COCH-AS1 (COCH antisense RNA 1; minus strand), COCH (cochlin; plus strand). Cytogenetic location: 14q12.
Variant type: single nucleotide variant.
Coding change: c.113G>A on transcript NM_004086.3 (MANE Select); coding-DNA position 113, G replaced by A.
Protein change: p.Gly38Asp; replaces glycine 38 with aspartic acid.
Molecular consequence: missense variant.
Genome position (GRCh38, 1-based): chr14:30,877,602, G>A. VCF-style: chr14-30877602-G-A. GRCh37 (hg19) VCF-style: chr14-31346808-G-A.
Other names: c.113G>A, p.Gly38Asp (NM_001135058.2); c.308G>A, p.Gly103Asp (NM_001347720.2); short protein forms G103D, G38D.
Identifiers: ClinVar variation 1333477 (VCV001333477.1), dbSNP rs1391189162, ClinGen allele CA389343983.

ClinVar aggregate classification (germline): Uncertain significance (1 of 4 stars; one submission).

Conditions:
Autosomal dominant nonsyndromic hearing loss 9. Identifiers: Orphanet 90635, MedGen C1832425, MONDO:0011058, OMIM 601369.

Submission:

3billion
Classification: Uncertain significance for Autosomal dominant nonsyndromic hearing loss 9. Last evaluated: 2022-01-03. Review status: criteria provided, single submitter. Criteria: ACMG Guidelines, 2015. Collection method: clinical testing. Allele origin: germline. Affected: yes. Observed: 1 heterozygote.
Comment: Same nucleotide change resulting in same amino acid change has been previously reported to be associated with COCH related disorder (PMID:23990876, PS1_P). It is not observed in the gnomAD v2.1.1 dataset (PM2_M). In silico tool predictions suggest damaging effect of the variant on gene or gene product (REVEL: 0.721, PP3_P).Therefore, this variant is classified as uncertain significance according to the recommendation of ACMG/AMP guideline.

Literature cited by the submitters: PubMed 23990876.